The following is an entry in ClinVar:

ClinVar aggregate classification (germline): Conflicting classifications of pathogenicity. Review status: criteria provided, conflicting classifications (1 of 4 stars). 2 submissions from 2 submitters: Likely pathogenic (1); Uncertain significance (1). Last evaluated 2024-08-27.

Conditions:
Early-infantile DEE. Also called: Ohtahara syndrome; Early infantile epileptic encephalopathy with suppression bursts; Early infantile epileptic encephalopathy. Identifiers: Orphanet 1934, MedGen C0393706, MONDO:0800491.

Submissions (2):

Labcorp Genetics (formerly Invitae), Labcorp
Classification: Uncertain significance for Early-infantile DEE. Last evaluated: 2024-08-27. Review status: criteria provided, single submitter. Criteria: Invitae Variant Classification Sherloc (09022015). Collection method: clinical testing. Allele origin: germline.
Comment: This sequence change replaces asparagine, which is neutral and polar, with threonine, which is neutral and polar, at codon 211 of the SCN1A protein (p.Asn211Thr). This variant is not present in population databases (gnomAD no frequency). This variant has not been reported in the literature in individuals affected with SCN1A-related conditions. ClinVar contains an entry for this variant (Variation ID: 1479129). Invitae Evidence Modeling of protein sequence and biophysical properties (such as structural, functional, and spatial information, amino acid conservation, physicochemical variation, residue mobility, and thermodynamic stability) indicates that this missense variant is expected to disrupt SCN1A protein function with a positive predictive value of 95%. In summary, the available evidence is currently insufficient to determine the role of this variant in disease. Therefore, it has been classified as a Variant of Uncertain Significance.

GeneDx
Classification: Likely pathogenic. Last evaluated: 2024-07-22. Review status: criteria provided, single submitter. Criteria: GeneDx Variant Classification Process June 2021. Collection method: clinical testing. Allele origin: germline. Affected: yes.
Comment: Not observed at significant frequency in large population cohorts (gnomAD); In silico analysis supports that this missense variant has a deleterious effect on protein structure/function; This substitution is within the extracellular loop between the S3 and S4 transmembrane segments of the first homologous domain; Has not been previously published as pathogenic or benign to our knowledge

NM_001165963.4(SCN1A):c.632A>C (p.Asn211Thr)

Gene: SCN1A (sodium voltage-gated channel alpha subunit 1; minus strand). Cytogenetic location: 2q24.3.
Variant type: single nucleotide variant.
Coding change: c.632A>C on transcript NM_001165963.4 (MANE Select); coding-DNA position 632, A replaced by C.
Protein change: p.Asn211Thr; replaces asparagine 211 with threonine.
Molecular consequence: missense variant. On other transcripts: 5 prime UTR variant (1), non-coding transcript variant (1).
Genome position (GRCh38, 1-based): chr2:166,052,914, T>G on the plus strand (A>C on the coding strand, the complement: SCN1A is on the minus strand). VCF-style: chr2-166052914-T-G. GRCh37 (hg19) VCF-style: chr2-166909424-T-G.
Other names: c.632A>C (NM_001165963.1); c.632A>C, p.Asn211Thr (NM_001165964.3, NM_001202435.3, NM_001353948.2 and 10 more transcripts); c.-1794A>C (NM_001353961.2); short protein forms N211T.
Identifiers: ClinVar variation 1479129 (VCV001479129.10), dbSNP rs1553550618, ClinGen allele CA349074294.